The following is an entry in ClinVar:

NM_004364.5(CEBPA):c.445C>T (p.Arg149Cys)

Gene: CEBPA (CCAAT enhancer binding protein alpha; minus strand). Cytogenetic location: 19q13.11.
Variant type: single nucleotide variant.
Coding change: c.445C>T on transcript NM_004364.5 (MANE Select); coding-DNA position 445, C replaced by T.
Protein change: p.Arg149Cys; replaces arginine 149 with cysteine.
Molecular consequence: missense variant.
Genome position (GRCh38, 1-based): chr19:33,301,970, G>A on the plus strand (C>T on the coding strand, the complement: CEBPA is on the minus strand). VCF-style: chr19-33301970-G-A. GRCh37 (hg19) VCF-style: chr19-33792876-G-A.
Other names: c.550C>T, p.Arg184Cys (NM_001287424.2); c.403C>T, p.Arg135Cys (NM_001287435.2); c.88C>T, p.Arg30Cys (NM_001285829.2); short protein forms R135C, R30C, R184C, R149C.
Identifiers: ClinVar variation 1420216 (VCV001420216.9), dbSNP rs2145262063, ClinGen allele CA405274935.
Genomic context (GRCh38, chr19:33,301,970, plus strand): 5'-CATCCTCCTCGCGGGGCTCCTGCTTGATCACCAGCGGCCGCAGCGCCGGCGCCCCGACGC[G>A]CTCGTACAGGGGCTCCAGCCTGCCGTCCAGGTAGCCGGCGGCCGCGCAGCCGTAGCCGGG-3'
Protein context (NP_004355.2, residues 139-159): LDGRLEPLYE[Arg149Cys]VGAPALRPLV

ClinVar aggregate classification (germline): Uncertain significance. Review status: criteria provided, multiple submitters, no conflicts (2 of 4 stars). 2 submissions from 2 submitters: Uncertain significance (2). Last evaluated 2023-12-19.

Conditions:
Acute myeloid leukemia (AML). Also called: Leukemia, acute myeloid, somatic; Leukemia, acute myelogenous, somatic; Acute myeloid leukemia, adult; AML adult; Acute non-lymphocytic leukemia; Acute granulocytic leukemia. Identifiers: Orphanet 519, MedGen C0023467, MeSH D015470, MONDO:0018874, OMIM 601626, HP:0004808. Disease mechanism: Constitutively activated FLT3.

Submissions (2):

Baylor Genetics
Classification: Uncertain significance for Acute myeloid leukemia. Last evaluated: 2023-12-19. Review status: criteria provided, single submitter. Criteria: ACMG Guidelines, 2015. Collection method: clinical testing. Allele origin: unknown.

Labcorp Genetics (formerly Invitae), Labcorp
Classification: Uncertain significance for Acute myeloid leukemia. Last evaluated: 2022-05-22. Review status: criteria provided, single submitter. Criteria: Invitae Variant Classification Sherloc (09022015). Collection method: clinical testing. Allele origin: germline.
Comment: This variant has not been reported in the literature in individuals affected with CEBPA-related conditions. The frequency data for this variant in the population databases is considered unreliable, as metrics indicate insufficient coverage at this position in the gnomAD database. This sequence change replaces arginine, which is basic and polar, with cysteine, which is neutral and slightly polar, at codon 149 of the CEBPA protein (p.Arg149Cys). In summary, the available evidence is currently insufficient to determine the role of this variant in disease. Therefore, it has been classified as a Variant of Uncertain Significance. Algorithms developed to predict the effect of missense changes on protein structure and function are either unavailable or do not agree on the potential impact of this missense change (SIFT: "Deleterious"; PolyPhen-2: "Possibly Damaging"; Align-GVGD: "Class C0").